The following is an entry in ClinVar:

NM_001035.3(RYR2):c.4378G>A (p.Asp1460Asn)

Gene: RYR2 (ryanodine receptor 2; plus strand). Cytogenetic location: 1q43.
Variant type: single nucleotide variant.
Coding change: c.4378G>A on transcript NM_001035.3 (MANE Select); coding-DNA position 4378, G replaced by A.
Protein change: p.Asp1460Asn; replaces aspartic acid 1460 with asparagine.
Molecular consequence: missense variant.
Genome position (GRCh38, 1-based): chr1:237,593,578, G>A. VCF-style: chr1-237593578-G-A. GRCh37 (hg19) VCF-style: chr1-237756878-G-A.
Other names: short protein forms D1460N.
Identifiers: ClinVar variation 3073930 (VCV003073930.1), dbSNP rs1675475755, ClinGen allele CA345399902.

ClinVar aggregate classification (germline): Uncertain significance (1 of 4 stars; one submission).

Conditions:
Catecholaminergic polymorphic ventricular tachycardia (CVPT). Also called: Catecholamine-induced polymorphic ventricular tachycardia. Identifiers: Orphanet 3286, MedGen C5574922, MONDO:0017990.

Submission:

All of Us Research Program, National Institutes of Health
Classification: Uncertain significance for Catecholaminergic polymorphic ventricular tachycardia. Last evaluated: 2023-11-30. Review status: criteria provided, single submitter. Criteria: ACMG Guidelines, 2015. Collection method: clinical testing. Allele origin: germline. Inheritance: Autosomal dominant inheritance. Observed: 1 variant allele, 1 heterozygote.
Comment: This study involves interpretation of variants in research participants for the purpose of population health screening. Participant phenotype was not available at the time of variant classification. Additional details can be found in publication PMID: 35346344, PMCID: PMC8962531